The following is an entry in ClinVar:

NM_000069.3(CACNA1S):c.5392G>C (p.Gly1798Arg)

Gene: CACNA1S (calcium voltage-gated channel subunit alpha1 S; minus strand). Cytogenetic location: 1q32.1.
Variant type: single nucleotide variant.
Coding change: c.5392G>C on transcript NM_000069.3 (MANE Select); coding-DNA position 5392, G replaced by C.
Protein change: p.Gly1798Arg; replaces glycine 1798 with arginine.
Molecular consequence: missense variant.
Genome position (GRCh38, 1-based): chr1:201,040,061, C>G on the plus strand (G>C on the coding strand, the complement: CACNA1S is on the minus strand). VCF-style: chr1-201040061-C-G. GRCh37 (hg19) VCF-style: chr1-201009189-C-G.
Other names: short protein forms G1798R.
Identifiers: ClinVar variation 2639742 (VCV002639742.24), dbSNP rs781745745, ClinGen allele CA344129883.
Genomic context (GRCh38, chr1:201,040,061, plus strand): 5'-AGGCATCTGCCAGGGCCTGGCCTGTTGCCATGATGAAGTTTGCATCAGCTGCCAAGGTGC[C>G]CAGGCCCCCTCGAACCAGAGCCTGCAGGGAGGAGAGTAGGCTGAGTGGGGTCTTCCTGGG-3'
Protein context (NP_000060.2, residues 1788-1808): IQKALVRGGL[Gly1798Arg]TLAADANFIM

ClinVar aggregate classification (germline): Uncertain significance (1 of 4 stars; one submission).

Submission:

CeGaT Center for Human Genetics Tuebingen
Classification: Uncertain significance. Last evaluated: 2023-08-01. Review status: criteria provided, single submitter. Criteria: CeGaT Center For Human Genetics Tuebingen Variant Classification Criteria Version 2. Collection method: clinical testing. Allele origin: germline. Affected: yes. Observed: 1 variant allele.
Comment: CACNA1S: PM2, BP4